The following is an entry in ClinVar:

ClinVar aggregate classification (germline): Pathogenic (1 of 4 stars; one submission).

Conditions:
Cardiovascular phenotype. Identifiers: MedGen CN230736.

gnomAD v4.1: 1 of 1,612,940 alleles (0.000062%); no homozygotes.

Submission:

Ambry Genetics
Classification: Pathogenic for Cardiovascular phenotype. Last evaluated: 2021-12-07. Review status: criteria provided, single submitter. Criteria: Ambry Variant Classification Scheme 2023. Collection method: clinical testing. Allele origin: germline.
Comment: The p.K206* pathogenic mutation (also known as c.616A>T), located in coding exon 6 of the TECRL gene, results from an A to T substitution at nucleotide position 616. This changes the amino acid from a lysine to a stop codon within coding exon 6. This variant is considered to be rare based on population cohorts in the Genome Aggregation Database (gnomAD). This alteration is expected to result in loss of function by premature protein truncation or nonsense-mediated mRNA decay. As such, this alteration is interpreted as a disease-causing mutation.

NM_001010874.5(TECRL):c.616A>T (p.Lys206Ter)

Gene: TECRL (trans-2,3-enoyl-CoA reductase like; minus strand). Cytogenetic location: 4q13.1.
Variant type: single nucleotide variant.
Coding change: c.616A>T on transcript NM_001010874.5 (MANE Select); coding-DNA position 616, A replaced by T.
Protein change: p.Lys206Ter; replaces lysine 206 with a stop codon.
Molecular consequence: nonsense.
Genome position (GRCh38, 1-based): chr4:64,309,867, T>A on the plus strand (A>T on the coding strand, the complement: TECRL is on the minus strand). VCF-style: chr4-64309867-T-A. GRCh37 (hg19) VCF-style: chr4-65175585-T-A.
Other names: c.616A>T, p.Lys206Ter (NM_001363796.1); short protein forms K206*.
Identifiers: ClinVar variation 1751986 (VCV001751986.2), dbSNP rs2476067663, ClinGen allele CA357054237.